The following is an entry in ClinVar:

ClinVar aggregate classification (germline): Uncertain significance (1 of 4 stars; one submission).

Conditions:
Ehlers-Danlos syndrome, classic type, 1 (EDSCL1). Also called: EHLERS-DANLOS SYNDROME, GRAVIS TYPE; EHLERS-DANLOS SYNDROME, SEVERE CLASSIC TYPE; Ehlers-Danlos syndrome, type 1; Ehlers-Danlos Syndrome, Classic Type, COL5A1-Related; EDS I. Identifiers: MedGen C0268335, MONDO:0019567, OMIM 130000.

gnomAD v4.1: 2 of 1,613,942 alleles (0.00012%); highest among the groups gnomAD compares: Non-Finnish European, 0.00017%; no homozygotes.

Submission:

Labcorp Genetics (formerly Invitae), Labcorp
Classification: Uncertain significance for Ehlers-Danlos syndrome, classic type, 1. Last evaluated: 2024-10-15. Review status: criteria provided, single submitter. Criteria: Invitae Variant Classification Sherloc (09022015). Collection method: clinical testing. Allele origin: germline.
Comment: This sequence change replaces methionine, which is neutral and non-polar, with arginine, which is basic and polar, at codon 434 of the COL5A1 protein (p.Met434Arg). This variant is not present in population databases (gnomAD no frequency). This variant has not been reported in the literature in individuals affected with COL5A1-related conditions. Invitae Evidence Modeling of protein sequence and biophysical properties (such as structural, functional, and spatial information, amino acid conservation, physicochemical variation, residue mobility, and thermodynamic stability) indicates that this missense variant is not expected to disrupt COL5A1 protein function with a negative predictive value of 95%. In summary, the available evidence is currently insufficient to determine the role of this variant in disease. Therefore, it has been classified as a Variant of Uncertain Significance.

NM_000093.5(COL5A1):c.1301T>G (p.Met434Arg)

Gene: COL5A1 (collagen type V alpha 1 chain; plus strand). Cytogenetic location: 9q34.3.
Variant type: single nucleotide variant.
Coding change: c.1301T>G on transcript NM_000093.5 (MANE Select); coding-DNA position 1301, T replaced by G.
Protein change: p.Met434Arg; replaces methionine 434 with arginine.
Molecular consequence: missense variant.
Genome position (GRCh38, 1-based): chr9:134,731,632, T>G. VCF-style: chr9-134731632-T-G. GRCh37 (hg19) VCF-style: chr9-137623478-T-G.
Other names: c.1301T>G, p.Met434Arg (NM_001278074.1); short protein forms M434R.
Identifiers: ClinVar variation 3626254 (VCV003626254.2).
Genomic context (GRCh38, chr9:134,731,632, plus strand): 5'-AGAACTACTACGACCCCTACTACGACCCCACCAGCTCCCCGTCGGAGATCGGGCCGGGAA[T>G]GCCGGCGAACCAGGATACCATCTATGAAGGGGTGAGAGGGTGCAGGCCCCCGTTCCGGGT-3'
Protein context (NP_000084.3, residues 424-444): TSSPSEIGPG[Met434Arg]PANQDTIYEG